The following is an entry in ClinVar:

ClinVar aggregate classification (germline): Uncertain significance (1 of 4 stars; one submission).

Conditions:
Hyperkalemic periodic paralysis. Also called: Familial hyperkalemic periodic paralysis; Gamstorp disease. Identifiers: Orphanet 682, MedGen C0238357, MONDO:0008224, OMIM 170500, HP:0007215.

Allele frequency attached by ClinVar (database versions not stated): gnomAD exomes below 0.00001.
gnomAD v4.1: 4 of 1,612,988 alleles (0.00025%); highest among the groups gnomAD compares: East Asian, 0.0022%; no homozygotes.

Submission:

Labcorp Genetics (formerly Invitae), Labcorp
Classification: Uncertain significance for Hyperkalemic periodic paralysis. Last evaluated: 2025-05-25. Review status: criteria provided, single submitter. Criteria: Invitae Variant Classification Sherloc (09022015). Collection method: clinical testing. Allele origin: germline.
Comment: This sequence change replaces arginine, which is basic and polar, with cysteine, which is neutral and slightly polar, at codon 1062 of the SCN4A protein (p.Arg1062Cys). This variant is not present in population databases (gnomAD no frequency). This variant has not been reported in the literature in individuals affected with SCN4A-related conditions. ClinVar contains an entry for this variant (Variation ID: 2723278). Invitae Evidence Modeling of protein sequence and biophysical properties (such as structural, functional, and spatial information, amino acid conservation, physicochemical variation, residue mobility, and thermodynamic stability) indicates that this missense variant is not expected to disrupt SCN4A protein function with a negative predictive value of 95%. In summary, the available evidence is currently insufficient to determine the role of this variant in disease. Therefore, it has been classified as a Variant of Uncertain Significance.

NM_000334.4(SCN4A):c.3184C>T (p.Arg1062Cys)

Genes: GH-LCR (growth hormone locus control region; plus strand), SCN4A (sodium voltage-gated channel alpha subunit 4; minus strand). Cytogenetic location: 17q23.3.
Variant type: single nucleotide variant.
Coding change: c.3184C>T on transcript NM_000334.4 (MANE Select); coding-DNA position 3184, C replaced by T.
Protein change: p.Arg1062Cys; replaces arginine 1062 with cysteine.
Molecular consequence: missense variant.
Genome position (GRCh38, 1-based): chr17:63,948,024, G>A on the plus strand (C>T on the coding strand, the complement: SCN4A is on the minus strand). VCF-style: chr17-63948024-G-A. GRCh37 (hg19) VCF-style: chr17-62025384-G-A.
Other names: short protein forms R1062C.
Identifiers: ClinVar variation 2723278 (VCV002723278.3), dbSNP rs1908782432, ClinGen allele CA400621313.